The following is an entry in ClinVar:

NM_016592.5(GNAS):c.263A>G (p.His88Arg)

Genes: GNAS (GNAS complex locus; plus strand), GNAS-AS1 (GNAS antisense RNA 1; minus strand). Cytogenetic location: 20q13.32.
Variant type: single nucleotide variant.
Coding change: c.263A>G on transcript NM_016592.5 (MANE Plus Clinical); coding-DNA position 263, A replaced by G.
Protein change: p.His88Arg; replaces histidine 88 with arginine.
Molecular consequence: missense variant. On other transcripts: 5 prime UTR variant (1).
Genome position (GRCh38, 1-based): chr20:58,840,369, A>G. VCF-style: chr20-58840369-A-G. GRCh37 (hg19) VCF-style: chr20-57415424-A-G.
Other names: c.-475A>G (NM_001410912.1); short protein forms H88R.
Identifiers: ClinVar variation 3900911 (VCV003900911.2).

ClinVar aggregate classification (germline): Uncertain significance. Review status: criteria provided, multiple submitters, no conflicts (2 of 4 stars). 2 submissions from 2 submitters: Uncertain significance (2). Last evaluated 2026-07-06.

Conditions:
GNAS-related disorder. Identifiers: MedGen CN380105.

gnomAD v4.1: 75 of 1,613,218 alleles (0.0046%); highest among the groups gnomAD compares: Admixed American, 0.02%; no homozygotes.

Submissions (2):

PreventionGenetics, part of Exact Sciences
Classification: Uncertain significance for GNAS-related condition. Last evaluated: 2026-07-06. Review status: criteria provided, single submitter. Criteria: ACMG Guidelines, 2015. Collection method: clinical testing. Allele origin: germline.
Comment: The GNAS c.263A>G variant is predicted to result in the amino acid substitution p.His88Arg. Of note, in the more commonly reported transcript (NM_000516.5) this variant is pre-coding (c.-51358A>G). This variant was listed as a potentially deleterious variant in a study of a family with lateral temporal epilepsy (Supplementary Table S2C - Dazzo et al. 2015. PubMed ID: 26046367). However, clinical and functional evidence was not provided to support pathogenicity of this variant. This variant is reported in 0.026% of alleles in individuals of Latino descent in gnomAD. At this time, the clinical significance of this variant is uncertain due to the absence of conclusive functional and genetic evidence.

GeneDx
Classification: Uncertain significance. Last evaluated: 2024-11-27. Review status: criteria provided, single submitter. Criteria: GeneDx Variant Classification Process June 2021. Collection method: clinical testing. Allele origin: germline. Affected: yes.
Comment: In silico analysis indicates that this missense variant does not alter protein structure/function; Has not been previously published as pathogenic or benign to our knowledge; Reported using an alternate transcript of the gene